The following is an entry in ClinVar:

ClinVar aggregate classification (germline): Uncertain significance (1 of 4 stars; one submission).

gnomAD v4.1: 12 of 1,614,062 alleles (0.00074%); highest among the groups gnomAD compares: African/African-American, 0.016%; no homozygotes.

Submission:

Labcorp Genetics (formerly Invitae), Labcorp
Classification: Uncertain significance. Last evaluated: 2025-08-26. Review status: criteria provided, single submitter. Criteria: Invitae Variant Classification Sherloc (09022015). Collection method: clinical testing. Allele origin: germline.
Comment: This sequence change affects codon 468 of the SIAE mRNA. It is a 'silent' change, meaning that it does not change the encoded amino acid sequence of the SIAE protein. This variant is present in population databases (no rsID available, gnomAD 0.007%). This variant has not been reported in the literature in individuals affected with SIAE-related conditions. Algorithms developed to predict the effect of sequence changes on RNA splicing suggest that this variant may disrupt the consensus splice site. In summary, the available evidence is currently insufficient to determine the role of this variant in disease. Therefore, it has been classified as a Variant of Uncertain Significance.

NM_170601.5(SIAE):c.1404C>A (p.Ile468=)

Gene: SIAE (sialic acid acetylesterase; minus strand). Cytogenetic location: 11q24.2.
Variant type: single nucleotide variant.
Coding change: c.1404C>A on transcript NM_170601.5 (MANE Select); coding-DNA position 1404, C replaced by A.
Protein change: p.Ile468=; no amino-acid change (isoleucine 468 retained).
Molecular consequence: synonymous variant.
Genome position (GRCh38, 1-based): chr11:124,637,119, G>T on the plus strand (C>A on the coding strand, the complement: SIAE is on the minus strand). VCF-style: chr11-124637119-G-T. GRCh37 (hg19) VCF-style: chr11-124507015-G-T.
Other names: c.1299C>A, p.Ile433= (NM_001199922.2).
Identifiers: ClinVar variation 4694823 (VCV004694823.1).